The following is an entry in ClinVar:

ClinVar aggregate classification (germline): Uncertain significance (1 of 4 stars; one submission).

Conditions:
Progressive familial heart block type IB (PFHB1B). Identifiers: Orphanet 871, MedGen C1970298, MONDO:0011474, OMIM 604559.

Submission:

Labcorp Genetics (formerly Invitae), Labcorp
Classification: Uncertain significance for Progressive familial heart block type IB. Last evaluated: 2025-02-02. Review status: criteria provided, single submitter. Criteria: Invitae Variant Classification Sherloc (09022015). Collection method: clinical testing. Allele origin: germline.
Comment: This sequence change affects an acceptor splice site in intron 22 of the TRPM4 gene. It is expected to disrupt RNA splicing. Variants that disrupt the donor or acceptor splice site typically lead to a loss of protein function (PMID: 16199547), however the current clinical and genetic evidence is not sufficient to establish whether loss-of-function variants in TRPM4 cause disease. This variant is not present in population databases (gnomAD no frequency). This variant has not been reported in the literature in individuals affected with TRPM4-related conditions. ClinVar contains an entry for this variant (Variation ID: 1964886). Algorithms developed to predict the effect of sequence changes on RNA splicing suggest that this variant may disrupt the consensus splice site. In summary, the available evidence is currently insufficient to determine the role of this variant in disease. Therefore, it has been classified as a Variant of Uncertain Significance.

Literature cited by the submitters: PubMed 16199547.

NM_017636.4(TRPM4):c.3462-1G>T

Gene: TRPM4 (transient receptor potential cation channel subfamily M member 4; plus strand). Cytogenetic location: 19q13.33.
Variant type: single nucleotide variant.
Coding change: c.3462-1G>T on transcript NM_017636.4 (MANE Select); the canonical splice acceptor site of the intron before coding-DNA position 3462, G replaced by T.
Molecular consequence: splice acceptor variant.
Genome position (GRCh38, 1-based): chr19:49,211,014, G>T. VCF-style: chr19-49211014-G-T. GRCh37 (hg19) VCF-style: chr19-49714271-G-T.
Other names: c.3027-1G>T (NM_001195227.2); c.1854-1G>T (NM_001321282.2); c.3117-1G>T (NM_001321281.2); c.2940-1G>T (NM_001321283.2); c.2400-1G>T (NM_001321285.2).
Identifiers: ClinVar variation 1964886 (VCV001964886.5), dbSNP rs2514244079, ClinGen allele CA406773262.